The following is an entry in ClinVar:

ClinVar aggregate classification (germline): Benign/Likely benign. Review status: criteria provided, single submitter (1 of 4 stars). 2 submissions from 1 submitter: Benign (1); Likely benign (1). Last evaluated 2018-01-13.

Conditions:
Autosomal recessive Robinow syndrome (RRS1). Also called: ROBINOW SYNDROME, AUTOSOMAL RECESSIVE 1; COSTOVERTEBRAL SEGMENTATION DEFECT WITH MESOMELIA; COVESDEM SYNDROME; ROR2-Related Robinow Syndrome. Identifiers: Orphanet 1507, Orphanet 97360, MedGen C5399974, MONDO:0009999, OMIM 268310.
Brachydactyly type B1 (BDB1). Identifiers: Orphanet 572385, Orphanet 93383, MedGen C1862112, MONDO:0007220, OMIM 113000.

Allele frequency attached by ClinVar (database versions not stated): gnomAD exomes 0.00030; 1000 Genomes Project 0.00359; gnomAD 0.00402 and 0.00434; 1000 Genomes Project 30x 0.00406; TOPMed 0.00409.
gnomAD v4.1: 827 of 836,784 alleles (0.099%); highest among the groups gnomAD compares: African/African-American, 1.3%; 5 homozygotes.

Submissions (2):

Illumina Laboratory Services, Illumina
Classification: Benign for Brachydactyly type B1. Last evaluated: 2018-01-13. Review status: criteria provided, single submitter. Criteria: ICSL Variant Classification Criteria 13 December 2019. Collection method: clinical testing. Allele origin: germline.
Comment: This variant was observed in the ICSL laboratory as part of a predisposition screen in an ostensibly healthy population. It had not been previously curated by ICSL or reported in the Human Gene Mutation Database (HGMD: prior to June 1st, 2018), and was therefore a candidate for classification through an automated scoring system. Utilizing variant allele frequency, disease prevalence and penetrance estimates, and inheritance mode, an automated score was calculated to assess if this variant is too frequent to cause the disease. Based on the score and internal cut-off values, a variant classified as benign is not then subjected to further curation. The score for this variant resulted in a classification of benign for this disease.

Illumina Laboratory Services, Illumina
Classification: Likely benign for Autosomal recessive Robinow syndrome. Last evaluated: 2018-01-13. Review status: criteria provided, single submitter. Criteria: ICSL Variant Classification Criteria 13 December 2019. Collection method: clinical testing. Allele origin: germline.
Comment: This variant was observed in the ICSL laboratory as part of a predisposition screen in an ostensibly healthy population. It had not been previously curated by ICSL or reported in the Human Gene Mutation Database (HGMD: prior to June 1st, 2018), and was therefore a candidate for classification through an automated scoring system. Utilizing variant allele frequency, disease prevalence and penetrance estimates, and inheritance mode, an automated score was calculated to assess if this variant is too frequent to cause the disease. Based on the score and internal cut-off values, a variant classified as likely benign is not then subjected to further curation. The score for this variant resulted in a classification of likely benign for this disease.

NM_004560.4(ROR2):c.-60G>T

Gene: ROR2 (receptor tyrosine kinase like orphan receptor 2; minus strand). Cytogenetic location: 9q22.31.
Variant type: single nucleotide variant.
Coding change: c.-60G>T on transcript NM_004560.4 (MANE Select); 60 bases upstream of the start codon, G replaced by T.
Molecular consequence: 5 prime UTR variant.
Genome position (GRCh38, 1-based): chr9:91,950,023, C>A on the plus strand (G>T on the coding strand, the complement: ROR2 is on the minus strand). VCF-style: chr9-91950023-C-A. GRCh37 (hg19) VCF-style: chr9-94712305-C-A.
Other names: c.-60G>T (NM_001318204.2).
Identifiers: ClinVar variation 367520 (VCV000367520.5), dbSNP rs184095609, ClinGen allele CA10630558.